The following is an entry in ClinVar:

NM_002473.6(MYH9):c.887C>T (p.Pro296Leu)

Gene: MYH9 (myosin heavy chain 9; minus strand). Cytogenetic location: 22q12.3.
Variant type: single nucleotide variant.
Coding change: c.887C>T on transcript NM_002473.6 (MANE Select); coding-DNA position 887, C replaced by T.
Protein change: p.Pro296Leu; replaces proline 296 with leucine.
Molecular consequence: missense variant.
Genome position (GRCh38, 1-based): chr22:36,320,345, G>A on the plus strand (C>T on the coding strand, the complement: MYH9 is on the minus strand). VCF-style: chr22-36320345-G-A. GRCh37 (hg19) VCF-style: chr22-36716390-G-A.
Other names: c.887C>T (NM_002473.4); short protein forms P296L.
Identifiers: ClinVar variation 3014695 (VCV003014695.4), dbSNP rs559841300, ClinGen allele CA10210430.

ClinVar aggregate classification (germline): Conflicting classifications of pathogenicity. Review status: criteria provided, conflicting classifications (1 of 4 stars). 2 submissions from 2 submitters: Uncertain significance (1); Benign (1). Last evaluated 2024-11-13.

Allele frequency attached by ClinVar (database versions not stated): TOPMed 0.00002; gnomAD 0.00003; gnomAD exomes 0.00007; ExAC 0.00016; 1000 Genomes Project 0.00040; 1000 Genomes Project 30x 0.00047.
gnomAD v4.1: 108 of 1,613,914 alleles (0.0067%); highest among the groups gnomAD compares: South Asian, 0.1%; 1 homozygote.

Submissions (2):

Labcorp Genetics (formerly Invitae), Labcorp
Classification: Benign. Last evaluated: 2024-11-13. Review status: criteria provided, single submitter. Criteria: Invitae Variant Classification Sherloc (09022015). Collection method: clinical testing. Allele origin: germline.

GeneDx
Classification: Uncertain significance. Last evaluated: 2024-08-02. Review status: criteria provided, single submitter. Criteria: GeneDx Variant Classification Process June 2021. Collection method: clinical testing. Allele origin: germline. Affected: yes.
Comment: In silico analysis supports that this missense variant has a deleterious effect on protein structure/function; Has not been previously published as pathogenic or benign to our knowledge